The following is an entry in ClinVar:

NM_001378964.1(CDON):c.2779C>T (p.Arg927Cys)

Gene: CDON (cell adhesion associated, oncogene regulated; minus strand). Cytogenetic location: 11q24.2.
Variant type: single nucleotide variant.
Coding change: c.2779C>T on transcript NM_001378964.1 (MANE Select); coding-DNA position 2779, C replaced by T.
Protein change: p.Arg927Cys; replaces arginine 927 with cysteine.
Molecular consequence: missense variant.
Genome position (GRCh38, 1-based): chr11:125,984,088, G>A on the plus strand (C>T on the coding strand, the complement: CDON is on the minus strand). VCF-style: chr11-125984088-G-A. GRCh37 (hg19) VCF-style: chr11-125853983-G-A.
Other names: c.2779C>T, p.Arg927Cys (NM_001243597.3, NM_016952.6); short protein forms R927C.
Identifiers: ClinVar variation 3713368 (VCV003713368.2).
Genomic context (GRCh38, chr11:125,984,088, plus strand): 5'-CCAAAGAATTTGGAGGGGTACTCAAGTCTTTGACAGGATATTCAGAAGCTCCAGGAACAC[G>A]TTTCACTAGTTGAAATATAAAGGAAAACATGATGTCAGAGTGAATACAGACTCCATGAAA-3'
Protein context (NP_001365893.1, residues 917-937): NVMICETKVK[Arg927Cys]VPGASEYPVK

ClinVar aggregate classification (germline): Uncertain significance (1 of 4 stars; one submission).

Conditions:
Holoprosencephaly 11 (HPE11). Identifiers: Orphanet 2162, MedGen C3280215, MONDO:0013642, OMIM 614226.

gnomAD v4.1: 14 of 1,597,600 alleles (0.00088%); highest among the groups gnomAD compares: African/African-American, 0.004%; no homozygotes.

Submission:

Labcorp Genetics (formerly Invitae), Labcorp
Classification: Uncertain significance for Holoprosencephaly 11. Last evaluated: 2024-02-24. Review status: criteria provided, single submitter. Criteria: Invitae Variant Classification Sherloc (09022015). Collection method: clinical testing. Allele origin: germline.
Comment: This sequence change replaces arginine, which is basic and polar, with cysteine, which is neutral and slightly polar, at codon 927 of the CDON protein (p.Arg927Cys). This variant is present in population databases (rs773221507, gnomAD 0.003%). This variant has not been reported in the literature in individuals affected with CDON-related conditions. Advanced modeling of protein sequence and biophysical properties (such as structural, functional, and spatial information, amino acid conservation, physicochemical variation, residue mobility, and thermodynamic stability) performed at Invitae indicates that this missense variant is not expected to disrupt CDON protein function with a negative predictive value of 80%. In summary, the available evidence is currently insufficient to determine the role of this variant in disease. Therefore, it has been classified as a Variant of Uncertain Significance.